The following is an entry in ClinVar:

NM_001276270.2(MBD4):c.649G>C (p.Asp217His)

Gene: MBD4 (methyl-CpG binding domain 4, DNA glycosylase; minus strand). Cytogenetic location: 3q21.3.
Variant type: single nucleotide variant.
Coding change: c.649G>C on transcript NM_001276270.2 (MANE Select); coding-DNA position 649, G replaced by C.
Protein change: p.Asp217His; replaces aspartic acid 217 with histidine.
Molecular consequence: missense variant. On other transcripts: intron variant (1).
Genome position (GRCh38, 1-based): chr3:129,436,995, C>G on the plus strand (G>C on the coding strand, the complement: MBD4 is on the minus strand). VCF-style: chr3-129436995-C-G. GRCh37 (hg19) VCF-style: chr3-129155838-C-G.
Other names: c.649G>C, p.Asp217His (NM_001276271.2, NM_001276272.2, NM_003925.3); c.247+813G>C (NM_001276273.2); short protein forms D217H.
Identifiers: ClinVar variation 5024029 (VCV005024029.1).
Genomic context (GRCh38, chr3:129,436,995, plus strand): 5'-TAGTCACCTTTCCTTTGGGCTTTCTAACCTTTCTGAAGTTAACATCATCAACACCCTCAT[C>G]TTCTTTCAAAAGCAAATGAGTGGAAGTAAAGTTAGAGAGTCCTCTGCTCTCCTGCAACTC-3'
Protein context (NP_001263199.1, residues 207-227): FTSTHLLLKE[Asp217His]EGVDDVNFRK

ClinVar aggregate classification (germline): Uncertain significance (1 of 4 stars; one submission).

Conditions:
Inborn genetic diseases. Identifiers: MedGen C0950123, MeSH D030342.

Submission:

Ambry Genetics
Classification: Uncertain significance for Inborn genetic diseases. Last evaluated: 2026-07-31. Review status: criteria provided, single submitter. Criteria: Ambry Variant Classification Scheme 2023. Collection method: clinical testing. Allele origin: germline.
Comment: The p.D217H variant (also known as c.649G>C), located in coding exon 3 of the MBD4 gene, results from a G to C substitution at nucleotide position 649. The aspartic acid at codon 217 is replaced by histidine, an amino acid with similar properties. This amino acid position is conserved. In addition, this alteration is predicted to be tolerated by in silico analysis. Based on the available evidence, the clinical significance of this variant remains unclear.